The following is an entry in ClinVar:

ClinVar aggregate classification (germline): Uncertain significance. Review status: criteria provided, multiple submitters, no conflicts (2 of 4 stars). 2 submissions from 2 submitters: Uncertain significance (2). Last evaluated 2026-02-17.

Conditions:
Inborn genetic diseases. Identifiers: MedGen C0950123, MeSH D030342.

Allele frequency attached by ClinVar (database versions not stated): gnomAD exomes below 0.00001.
gnomAD v4.1: 2 of 1,612,602 alleles (0.00012%); highest among the groups gnomAD compares: South Asian, 0.0011%; no homozygotes.

Submissions (2):

Ambry Genetics
Classification: Uncertain significance for Inborn genetic diseases. Last evaluated: 2026-02-17. Review status: criteria provided, single submitter. Criteria: Ambry Variant Classification Scheme 2023. Collection method: clinical testing. Allele origin: germline.

Labcorp Genetics (formerly Invitae), Labcorp
Classification: Uncertain significance. Last evaluated: 2022-04-09. Review status: criteria provided, single submitter. Criteria: Invitae Variant Classification Sherloc (09022015). Collection method: clinical testing. Allele origin: germline.
Comment: This sequence change replaces isoleucine, which is neutral and non-polar, with valine, which is neutral and non-polar, at codon 3522 of the ADGRV1 protein (p.Ile3522Val). This variant is not present in population databases (gnomAD no frequency). This variant has not been reported in the literature in individuals affected with ADGRV1-related conditions. Algorithms developed to predict the effect of missense changes on protein structure and function output the following: SIFT: "Tolerated"; PolyPhen-2: "Benign"; Align-GVGD: "Class C0". The valine amino acid residue is found in multiple mammalian species, which suggests that this missense change does not adversely affect protein function. In summary, the available evidence is currently insufficient to determine the role of this variant in disease. Therefore, it has been classified as a Variant of Uncertain Significance.

NM_032119.4(ADGRV1):c.10564A>G (p.Ile3522Val)

Gene: ADGRV1 (adhesion G protein-coupled receptor V1; plus strand). Cytogenetic location: 5q14.3.
Variant type: single nucleotide variant.
Coding change: c.10564A>G on transcript NM_032119.4 (MANE Select); coding-DNA position 10564, A replaced by G.
Protein change: p.Ile3522Val; replaces isoleucine 3522 with valine.
Molecular consequence: missense variant. On other transcripts: non-coding transcript variant (1).
Genome position (GRCh38, 1-based): chr5:90,745,060, A>G. VCF-style: chr5-90745060-A-G. GRCh37 (hg19) VCF-style: chr5-90040877-A-G.
Other names: c.10564A>G (NM_032119.3); short protein forms I3522V.
Identifiers: ClinVar variation 2123446 (VCV002123446.3), dbSNP rs1484688327, ClinGen allele CA360407469.